The following is an entry in ClinVar:

NM_006859.4(LIAS):c.331T>A (p.Cys111Ser)

Gene: LIAS (lipoic acid synthetase; plus strand). Cytogenetic location: 4p14.
Variant type: single nucleotide variant.
Coding change: c.331T>A on transcript NM_006859.4 (MANE Select); coding-DNA position 331, T replaced by A.
Protein change: p.Cys111Ser; replaces cysteine 111 with serine.
Molecular consequence: missense variant.
Genome position (GRCh38, 1-based): chr4:39,463,543, T>A. VCF-style: chr4-39463543-T-A. GRCh37 (hg19) VCF-style: chr4-39465163-T-A.
Other names: c.331T>A, p.Cys111Ser (NM_001278590.2, NM_001278591.2, NM_194451.3); c.237T>A, p.Asp79Glu (NM_001278592.2, NM_001363700.2); short protein forms C111S, D79E.
Identifiers: ClinVar variation 540083 (VCV000540083.13), dbSNP rs747124026, ClinGen allele CA2894646.
Genomic context (GRCh38, chr4:39,463,543, plus strand): 5'-ATATTGTCAACCTAATGGTGTTCCATTTCCTTTTGCATACAGGTATGTGAGGAAGCTCGA[T>A]GTCCCAATATTGGAGAGTGTTGGGGAGGTGGAGAATATGCCACCGCCACAGCCACGATCA-3'
Protein context (NP_006850.2, residues 101-121): NLHTVCEEAR[Cys111Ser]PNIGECWGGG

ClinVar aggregate classification (germline): Uncertain significance. Review status: criteria provided, multiple submitters, no conflicts (2 of 4 stars). 2 submissions from 2 submitters: Uncertain significance (2). Last evaluated 2024-12-08.

Conditions:
Lipoic acid synthetase deficiency. Also called: HYPERGLYCINEMIA, LACTIC ACIDOSIS, AND SEIZURES. Identifiers: Orphanet 401859, MedGen C3280887, MONDO:0013762, OMIM 614462.

Allele frequency attached by ClinVar (database versions not stated): ExAC 0.00008; TOPMed 0.00003; gnomAD 0.00004; gnomAD exomes 0.00005.
gnomAD v4.1: 75 of 1,609,338 alleles (0.0047%); highest among the groups gnomAD compares: Non-Finnish European, 0.0058%; no homozygotes.

Submissions (2):

Labcorp Genetics (formerly Invitae), Labcorp
Classification: Uncertain significance for Lipoic acid synthetase deficiency. Last evaluated: 2024-12-08. Review status: criteria provided, single submitter. Criteria: Invitae Variant Classification Sherloc (09022015). Collection method: clinical testing. Allele origin: germline.
Comment: This sequence change replaces cysteine, which is neutral and slightly polar, with serine, which is neutral and polar, at codon 111 of the LIAS protein (p.Cys111Ser). This variant is present in population databases (rs747124026, gnomAD 0.01%). This variant has not been reported in the literature in individuals affected with LIAS-related conditions. ClinVar contains an entry for this variant (Variation ID: 540083). Invitae Evidence Modeling of protein sequence and biophysical properties (such as structural, functional, and spatial information, amino acid conservation, physicochemical variation, residue mobility, and thermodynamic stability) indicates that this missense variant is expected to disrupt LIAS protein function with a positive predictive value of 80%. In summary, the available evidence is currently insufficient to determine the role of this variant in disease. Therefore, it has been classified as a Variant of Uncertain Significance.

Eurofins Ntd Llc (ga)
Classification: Uncertain significance. Last evaluated: 2017-11-02. Review status: criteria provided, single submitter. Criteria: EGL Classification Definitions 2015. Collection method: clinical testing. Allele origin: germline. Observed: 1 variant allele, 1 heterozygote.